The following is an entry in ClinVar:

ClinVar aggregate classification (germline): Uncertain significance (1 of 4 stars; one submission).

Submission:

Labcorp Genetics (formerly Invitae), Labcorp
Classification: Uncertain significance. Last evaluated: 2025-07-06. Review status: criteria provided, single submitter. Criteria: Invitae Variant Classification Sherloc (09022015). Collection method: clinical testing. Allele origin: germline.
Comment: This sequence change creates a premature translational stop signal (p.Glu520*) in the SAMD9L gene. While this is not anticipated to result in nonsense mediated decay, it is expected to disrupt the last 1065 amino acid(s) of the SAMD9L protein. This variant is not present in population databases (gnomAD no frequency). This variant has not been reported in the literature in individuals affected with SAMD9L-related conditions. Experimental studies and prediction algorithms are not available or were not evaluated, and the functional significance of this variant is currently unknown. In summary, the available evidence is currently insufficient to determine the role of this variant in disease. Therefore, it has been classified as a Variant of Uncertain Significance.

NM_152703.5(SAMD9L):c.1558G>T (p.Glu520Ter)

Gene: SAMD9L (sterile alpha motif domain containing 9 like; minus strand). Cytogenetic location: 7q21.2.
Variant type: single nucleotide variant.
Coding change: c.1558G>T on transcript NM_152703.5 (MANE Select); coding-DNA position 1558, G replaced by T.
Protein change: p.Glu520Ter; replaces glutamic acid 520 with a stop codon.
Molecular consequence: nonsense.
Genome position (GRCh38, 1-based): chr7:93,134,414, C>A on the plus strand (G>T on the coding strand, the complement: SAMD9L is on the minus strand). VCF-style: chr7-93134414-C-A. GRCh37 (hg19) VCF-style: chr7-92763727-C-A.
Other names: c.1558G>T, p.Glu520Ter (NM_001303496.3, NM_001303497.3, NM_001303498.3 and 5 more transcripts); short protein forms E520*.
Identifiers: ClinVar variation 4722820 (VCV004722820.1).